The following is an entry in ClinVar:

ClinVar aggregate classification (germline): Uncertain significance (1 of 4 stars; one submission).

Allele frequency attached by ClinVar (database versions not stated): gnomAD exomes below 0.00001; TOPMed below 0.00001; ExAC 0.00001.
gnomAD v4.1: 3 of 1,614,220 alleles (0.00019%); highest among the groups gnomAD compares: Admixed American, 0.0017%; no homozygotes.

Submission:

Labcorp Genetics (formerly Invitae), Labcorp
Classification: Uncertain significance. Last evaluated: 2022-07-26. Review status: criteria provided, single submitter. Criteria: Invitae Variant Classification Sherloc (09022015). Collection method: clinical testing. Allele origin: germline.
Comment: Algorithms developed to predict the effect of missense changes on protein structure and function (SIFT, PolyPhen-2, Align-GVGD) all suggest that this variant is likely to be disruptive. In summary, the available evidence is currently insufficient to determine the role of this variant in disease. Therefore, it has been classified as a Variant of Uncertain Significance. ClinVar contains an entry for this variant (Variation ID: 851782). This variant is not present in population databases (gnomAD no frequency). This missense change has been observed in individual(s) with clinical features of nephrotic syndrome (Invitae). In at least one individual the data is consistent with being in trans (on the opposite chromosome) from a pathogenic variant. This sequence change replaces arginine, which is basic and polar, with tryptophan, which is neutral and slightly polar, at codon 396 of the SGPL1 protein (p.Arg396Trp).

NM_003901.4(SGPL1):c.1186C>T (p.Arg396Trp)

Gene: SGPL1 (sphingosine-1-phosphate lyase 1; plus strand). Cytogenetic location: 10q22.1.
Variant type: single nucleotide variant.
Coding change: c.1186C>T on transcript NM_003901.4 (MANE Select); coding-DNA position 1186, C replaced by T.
Protein change: p.Arg396Trp; replaces arginine 396 with tryptophan.
Molecular consequence: missense variant.
Genome position (GRCh38, 1-based): chr10:70,873,477, C>T. VCF-style: chr10-70873477-C-T. GRCh37 (hg19) VCF-style: chr10-72633234-C-T.
Other names: short protein forms R396W.
Identifiers: ClinVar variation 851782 (VCV000851782.9), dbSNP rs774877305, ClinGen allele CA5541395.
Genomic context (GRCh38, chr10:70,873,477, plus strand): 5'-TTCTTCGTCGATACAGATTGGCAGGGTGGCATCTATGCTTCCCCAACCATCGCAGGCTCA[C>T]GGCCTGGTGGCATTAGCGCAGCCTGTTGGGCTGCCTTGATGCACTTCGGTGAGAACGGCT-3'
Protein context (NP_003892.2, residues 386-406): IYASPTIAGS[Arg396Trp]PGGISAACWA